The following is an entry in ClinVar:

NM_025074.7(FRAS1):c.10257C>G (p.Ser3419Arg)

Gene: FRAS1 (Fraser extracellular matrix complex subunit 1; plus strand). Cytogenetic location: 4q21.21.
Variant type: single nucleotide variant.
Coding change: c.10257C>G on transcript NM_025074.7 (MANE Select); coding-DNA position 10257, C replaced by G.
Protein change: p.Ser3419Arg; replaces serine 3419 with arginine.
Molecular consequence: missense variant.
Genome position (GRCh38, 1-based): chr4:78,515,881, C>G. VCF-style: chr4-78515881-C-G. GRCh37 (hg19) VCF-style: chr4-79437035-C-G.
Other names: c.10257C>G (NM_025074.6); short protein forms S3419R.
Identifiers: ClinVar variation 2050824 (VCV002050824.3), dbSNP rs367736604, ClinGen allele CA2978902.

ClinVar aggregate classification (germline): Uncertain significance. Review status: criteria provided, multiple submitters, no conflicts (2 of 4 stars). 3 submissions from 3 submitters: Uncertain significance (3). Last evaluated 2025-08-06.

Conditions:
Inborn genetic diseases. Identifiers: MedGen C0950123, MeSH D030342.
Fraser syndrome 1 (FRASRS1). Also called: CRYPTOPHTHALMOS WITH OTHER MALFORMATIONS. Identifiers: Orphanet 2052, MedGen C4551480, MONDO:0054737, OMIM 219000.

Allele frequency attached by ClinVar (database versions not stated): 1000 Genomes Project 30x 0.00047; 1000 Genomes Project 0.00060.
gnomAD v4.1: 205 of 1,613,988 alleles (0.013%); highest among the groups gnomAD compares: South Asian, 0.13%; 1 homozygote.

Submissions (3):

Ambry Genetics
Classification: Uncertain significance for Inborn genetic diseases. Last evaluated: 2025-08-06. Review status: criteria provided, single submitter. Criteria: Ambry Variant Classification Scheme 2023. Collection method: clinical testing. Allele origin: germline.

Labcorp Genetics (formerly Invitae), Labcorp
Classification: Uncertain significance. Last evaluated: 2022-07-26. Review status: criteria provided, single submitter. Criteria: Invitae Variant Classification Sherloc (09022015). Collection method: clinical testing. Allele origin: germline.
Comment: This sequence change replaces serine, which is neutral and polar, with arginine, which is basic and polar, at codon 3419 of the FRAS1 protein (p.Ser3419Arg). This variant is present in population databases (rs367736604, gnomAD 0.09%). This variant has not been reported in the literature in individuals affected with FRAS1-related conditions. Algorithms developed to predict the effect of missense changes on protein structure and function output the following: SIFT: "Deleterious"; PolyPhen-2: "Benign"; Align-GVGD: "Class C25". The arginine amino acid residue is found in multiple mammalian species, which suggests that this missense change does not adversely affect protein function. In summary, the available evidence is currently insufficient to determine the role of this variant in disease. Therefore, it has been classified as a Variant of Uncertain Significance.

Department of Pathology and Laboratory Medicine, Sinai Health System
Classification: Uncertain significance for Fraser syndrome 1. Last evaluated: 2021-07-30. Review status: criteria provided, single submitter. Criteria: ACMG Guidelines, 2015. Collection method: research. Allele origin: germline.